The following is an entry in ClinVar:

ClinVar aggregate classification (germline): Uncertain significance. Review status: criteria provided, single submitter (1 of 4 stars). 2 submissions from 2 submitters: Uncertain significance (1). 1 of the submissions does not count toward it. Last evaluated 2023-11-27.

Conditions:
Glycogen storage disease type III (GSD3). Also called: Cori disease; FORBES DISEASE. Identifiers: Orphanet 366, MedGen C0017922, MONDO:0009291, OMIM 232400.

Allele frequency attached by ClinVar (database versions not stated): ExAC 0.00001; gnomAD exomes 0.00001 and 0.00003; gnomAD 0.00002; TOPMed 0.00003; ESP Exome Variant Server 0.00015.
gnomAD v4.1: 51 of 1,613,922 alleles (0.0032%); highest among the groups gnomAD compares: Non-Finnish European, 0.0041%; no homozygotes.

Submissions (2):

Labcorp Genetics (formerly Invitae), Labcorp
Classification: Uncertain significance for Glycogen storage disease type III. Last evaluated: 2023-11-27. Review status: criteria provided, single submitter. Criteria: Invitae Variant Classification Sherloc (09022015). Collection method: clinical testing. Allele origin: germline.
Comment: This sequence change replaces serine, which is neutral and polar, with arginine, which is basic and polar, at codon 878 of the AGL protein (p.Ser878Arg). This variant is present in population databases (rs146049603, gnomAD 0.0009%). This variant has not been reported in the literature in individuals affected with AGL-related conditions. ClinVar contains an entry for this variant (Variation ID: 526561). An algorithm developed to predict the effect of missense changes on protein structure and function (PolyPhen-2) suggests that this variant is likely to be disruptive. In summary, the available evidence is currently insufficient to determine the role of this variant in disease. Therefore, it has been classified as a Variant of Uncertain Significance.

Natera, Inc.
Classification: Uncertain significance for Glycogen storage disease type III. Last evaluated: 2020-09-11. Review status: no assertion criteria provided. Collection method: clinical testing. Allele origin: germline. Not counted in ClinVar's aggregate classification.

NM_000642.3(AGL):c.2632A>C (p.Ser878Arg)

Gene: AGL (amylo-alpha-1,6-glucosidase and 4-alpha-glucanotransferase; plus strand). Cytogenetic location: 1p21.2.
Variant type: single nucleotide variant.
Coding change: c.2632A>C on transcript NM_000642.3 (MANE Select); coding-DNA position 2632, A replaced by C.
Protein change: p.Ser878Arg; replaces serine 878 with arginine.
Molecular consequence: missense variant.
Genome position (GRCh38, 1-based): chr1:99,884,654, A>C. VCF-style: chr1-99884654-A-C. GRCh37 (hg19) VCF-style: chr1-100350210-A-C.
Other names: c.2632A>C, p.Ser878Arg (NM_000028.3, NM_000643.3, NM_001425326.1 and 2 more transcripts); c.2431A>C, p.Ser811Arg (NM_001425327.1); c.2428A>C, p.Ser810Arg (NM_001425328.1); c.2254A>C, p.Ser752Arg (NM_001425332.1); c.2584A>C, p.Ser862Arg (NM_000646.3); short protein forms S878R, S862R, S752R, S810R, S811R.
Identifiers: ClinVar variation 526561 (VCV000526561.9), dbSNP rs146049603, ClinGen allele CA966844.
Genomic context (GRCh38, chr1:99,884,654, plus strand): 5'-GTCGCTGTTGGAATTCTTCGAAATCATCTGACACAATTCAGTCCTCACTTTAAATCTGGC[A>C]GCCTAGCTGTTGACAATGCAGATCCTATATTAAAAATTCCTTTTGCTTCGTAAGTATGCC-3'
Protein context (NP_000633.2, residues 868-888): TQFSPHFKSG[Ser878Arg]LAVDNADPIL